The following is an entry in ClinVar:

NM_006231.4(POLE):c.88T>C (p.Ser30Pro)

Gene: POLE (DNA polymerase epsilon, catalytic subunit; minus strand). Cytogenetic location: 12q24.33.
Variant type: single nucleotide variant.
Coding change: c.88T>C on transcript NM_006231.4 (MANE Select); coding-DNA position 88, T replaced by C.
Protein change: p.Ser30Pro; replaces serine 30 with proline.
Molecular consequence: missense variant.
Genome position (GRCh38, 1-based): chr12:132,681,254, A>G on the plus strand (T>C on the coding strand, the complement: POLE is on the minus strand). VCF-style: chr12-132681254-A-G. GRCh37 (hg19) VCF-style: chr12-133257840-A-G.
Other names: short protein forms S30P.
Identifiers: ClinVar variation 4671680 (VCV004671680.1).

ClinVar aggregate classification (germline): Uncertain significance (1 of 4 stars; one submission).

Conditions:
Hereditary cancer-predisposing syndrome. Also called: Neoplastic Syndromes, Hereditary; Tumor predisposition; Hereditary Cancer Syndrome; Hereditary neoplastic syndrome. Identifiers: Orphanet 140162, MedGen C0027672, MeSH D009386, MONDO:0015356.

Submission:

Ambry Genetics
Classification: Uncertain significance for Hereditary cancer-predisposing syndrome. Last evaluated: 2025-09-27. Review status: criteria provided, single submitter. Criteria: Ambry Variant Classification Scheme 2023. Collection method: clinical testing. Allele origin: germline.
Comment: The p.S30P variant (also known as c.88T>C), located in coding exon 2 of the POLE gene, results from a T to C substitution at nucleotide position 88. The serine at codon 30 is replaced by proline, an amino acid with similar properties. This amino acid position is conserved. In addition, the in silico prediction for this alteration is inconclusive. Based on the available evidence, the clinical significance of this variant remains unclear.